The following is an entry in ClinVar:

NM_005097.4(LGI1):c.86T>C (p.Leu29Pro)

Gene: LGI1 (leucine rich glioma inactivated 1; plus strand). Cytogenetic location: 10q23.33.
Variant type: single nucleotide variant.
Coding change: c.86T>C on transcript NM_005097.4 (MANE Select); coding-DNA position 86, T replaced by C.
Protein change: p.Leu29Pro; replaces leucine 29 with proline.
Molecular consequence: missense variant. On other transcripts: non-coding transcript variant (1).
Genome position (GRCh38, 1-based): chr10:93,758,230, T>C. VCF-style: chr10-93758230-T-C. GRCh37 (hg19) VCF-style: chr10-95517987-T-C.
Other names: c.86T>C, p.Leu29Pro (NM_001308275.2, NM_001308276.2); short protein forms L29P.
Identifiers: ClinVar variation 1303793 (VCV001303793.2), dbSNP rs2133975470, ClinGen allele CA377631226.

ClinVar aggregate classification (germline): Uncertain significance (1 of 4 stars; one submission).

Allele frequency attached by ClinVar (database versions not stated): gnomAD exomes below 0.00001.
gnomAD v4.1: 2 of 1,614,196 alleles (0.00012%); highest among the groups gnomAD compares: Admixed American, 0.0017%; no homozygotes.

Submission:

GeneDx
Classification: Uncertain significance. Last evaluated: 2020-05-22. Review status: criteria provided, single submitter. Criteria: GeneDx Variant Classification Process June 2021. Collection method: clinical testing. Allele origin: germline. Affected: yes.
Comment: Not observed in large population cohorts (Lek et al., 2016); In silico analysis supports that this missense variant does not alter protein structure/function; Has not been previously published as pathogenic or benign to our knowledge